The following is an entry in ClinVar:

ClinVar aggregate classification (germline): Uncertain significance (1 of 4 stars; one submission).

Allele frequency attached by ClinVar (database versions not stated): TOPMed below 0.00001; gnomAD exomes 0.00001; ExAC 0.00002.

Submission:

Labcorp Genetics (formerly Invitae), Labcorp
Classification: Uncertain significance. Last evaluated: 2022-06-22. Review status: criteria provided, single submitter. Criteria: Invitae Variant Classification Sherloc (09022015). Collection method: clinical testing. Allele origin: germline.
Comment: In summary, the available evidence is currently insufficient to determine the role of this variant in disease. Therefore, it has been classified as a Variant of Uncertain Significance. Algorithms developed to predict the effect of missense changes on protein structure and function are either unavailable or do not agree on the potential impact of this missense change (SIFT: "Deleterious"; PolyPhen-2: "Possibly Damaging"; Align-GVGD: "Class C0"). This sequence change replaces proline, which is neutral and non-polar, with leucine, which is neutral and non-polar, at codon 201 of the SLCO2A1 protein (p.Pro201Leu). This variant is present in population databases (rs779175700, gnomAD 0.006%). This variant has not been reported in the literature in individuals affected with SLCO2A1-related conditions.

NM_005630.3(SLCO2A1):c.602C>T (p.Pro201Leu)

Gene: SLCO2A1 (solute carrier organic anion transporter family member 2A1; minus strand). Cytogenetic location: 3q22.1.
Variant type: single nucleotide variant.
Coding change: c.602C>T on transcript NM_005630.3 (MANE Select); coding-DNA position 602, C replaced by T.
Protein change: p.Pro201Leu; replaces proline 201 with leucine.
Molecular consequence: missense variant.
Genome position (GRCh38, 1-based): chr3:133,954,989, G>A on the plus strand (C>T on the coding strand, the complement: SLCO2A1 is on the minus strand). VCF-style: chr3-133954989-G-A. GRCh37 (hg19) VCF-style: chr3-133673833-G-A.
Other names: short protein forms P201L.
Identifiers: ClinVar variation 1913131 (VCV001913131.5), dbSNP rs779175700, ClinGen allele CA2626789.